The following is an entry in ClinVar:

NM_017617.5(NOTCH1):c.6715G>A (p.Asp2239Asn)

Gene: NOTCH1 (notch receptor 1; minus strand). Cytogenetic location: 9q34.3.
Variant type: single nucleotide variant.
Coding change: c.6715G>A on transcript NM_017617.5 (MANE Select); coding-DNA position 6715, G replaced by A.
Protein change: p.Asp2239Asn; replaces aspartic acid 2239 with asparagine.
Molecular consequence: missense variant.
Genome position (GRCh38, 1-based): chr9:136,497,024, C>T on the plus strand (G>A on the coding strand, the complement: NOTCH1 is on the minus strand). VCF-style: chr9-136497024-C-T. GRCh37 (hg19) VCF-style: chr9-139391476-C-T.
Other names: short protein forms D2239N.
Identifiers: ClinVar variation 1755064 (VCV001755064.9), dbSNP rs747504082, ClinGen allele CA5339838.

ClinVar aggregate classification (germline): Conflicting classifications of pathogenicity. Review status: criteria provided, conflicting classifications (1 of 4 stars). 3 submissions from 3 submitters: Uncertain significance (2); Benign (1). Last evaluated 2025-08-15.

Conditions:
Adams-Oliver syndrome 5 (AOS5). Identifiers: Orphanet 974, MedGen C4014970, MONDO:0014459, OMIM 616028.
Familial thoracic aortic aneurysm and aortic dissection (TAAD). Also called: Thoracic aortic aneurysms and dissections. Identifiers: Orphanet 91387, MedGen C4707243, MONDO:0019625.

Allele frequency attached by ClinVar (database versions not stated): TOPMed 0.00001; gnomAD 0.00002; gnomAD exomes 0.00002; ExAC 0.00006.
gnomAD v4.1: 29 of 1,609,294 alleles (0.0018%); highest among the groups gnomAD compares: East Asian, 0.011%; no homozygotes.

Submissions (3):

GeneDx
Classification: Uncertain significance. Last evaluated: 2025-08-15. Review status: criteria provided, single submitter. Criteria: GeneDx Variant Classification Process June 2021. Collection method: clinical testing. Allele origin: germline. Affected: yes.
Comment: Has not been previously published as pathogenic or benign to our knowledge; In silico analysis suggests that this missense variant does not alter protein structure/function

Labcorp Genetics (formerly Invitae), Labcorp
Classification: Benign for Adams-Oliver syndrome 5. Last evaluated: 2025-07-03. Review status: criteria provided, single submitter. Criteria: Invitae Variant Classification Sherloc (09022015). Collection method: clinical testing. Allele origin: germline.

Ambry Genetics
Classification: Uncertain significance for Familial thoracic aortic aneurysm and aortic dissection. Last evaluated: 2025-06-07. Review status: criteria provided, single submitter. Criteria: Ambry Variant Classification Scheme 2023. Collection method: clinical testing. Allele origin: germline.